The following is an entry in ClinVar:

NM_001171.6(ABCC6):c.3625G>A (p.Ala1209Thr)

Gene: ABCC6 (ATP binding cassette subfamily C member 6; minus strand). Cytogenetic location: 16p13.11.
Variant type: single nucleotide variant.
Coding change: c.3625G>A on transcript NM_001171.6 (MANE Select); coding-DNA position 3625, G replaced by A.
Protein change: p.Ala1209Thr; replaces alanine 1209 with threonine.
Molecular consequence: missense variant. On other transcripts: non-coding transcript variant (1).
Genome position (GRCh38, 1-based): chr16:16,161,446, C>T on the plus strand (G>A on the coding strand, the complement: ABCC6 is on the minus strand). VCF-style: chr16-16161446-C-T. GRCh37 (hg19) VCF-style: chr16-16255303-C-T.
Other names: c.3283G>A, p.Ala1095Thr (NM_001351800.1); short protein forms A1095T, A1209T.
Identifiers: ClinVar variation 1488338 (VCV001488338.6), dbSNP rs750630523, ClinGen allele CA394879540.

ClinVar aggregate classification (germline): Uncertain significance (1 of 4 stars; one submission).

Allele frequency attached by ClinVar (database versions not stated): TOPMed below 0.00001.

Submission:

Labcorp Genetics (formerly Invitae), Labcorp
Classification: Uncertain significance. Last evaluated: 2024-12-02. Review status: criteria provided, single submitter. Criteria: Invitae Variant Classification Sherloc (09022015). Collection method: clinical testing. Allele origin: germline.
Comment: This sequence change replaces alanine, which is neutral and non-polar, with threonine, which is neutral and polar, at codon 1209 of the ABCC6 protein (p.Ala1209Thr). This variant is present in population databases (no rsID available, gnomAD 0.006%). This variant has not been reported in the literature in individuals affected with ABCC6-related conditions. ClinVar contains an entry for this variant (Variation ID: 1488338). An algorithm developed to predict the effect of missense changes on protein structure and function outputs the following: PolyPhen-2: "Possibly Damaging". The threonine amino acid residue is found in multiple mammalian species, which suggests that this missense change does not adversely affect protein function. In summary, the available evidence is currently insufficient to determine the role of this variant in disease. Therefore, it has been classified as a Variant of Uncertain Significance.